The following is an entry in ClinVar:

NM_198253.3(TERT):c.*6_*182del

Gene: TERT (telomerase reverse transcriptase; minus strand). Cytogenetic location: 5p15.33.
Variant type: Deletion.
Coding change: c.*6_*182del on transcript NM_198253.3 (MANE Select); 6 bases downstream of the stop codon through 182 bases downstream of the stop codon, 177 bases deleted.
Molecular consequence: 3 prime UTR variant. On other transcripts: non-coding transcript variant (2).
Genome position (GRCh38, 1-based): chr5:1,253,546-1,253,722, 177 bases deleted. GRCh37 (hg19): chr5:1,253,665-1,253,841.
Other names: c.*6_*182del (NM_001193376.3); c.3404_3580del (NM_198253.2).
Identifiers: ClinVar variation 39123 (VCV000039123.3), dbSNP rs199422308, ClinGen allele CA343460.

ClinVar aggregate classification (germline): Pathogenic (0 of 4 stars; one submission).

Conditions:
Interstitial lung disease 2 (ILD2). Also called: Familial idiopathic pulmonary fibrosis; FIBROCYSTIC PULMONARY DYSPLASIA; FIBROSING ALVEOLITIS, CRYPTOGENIC. Identifiers: Orphanet 2032, Orphanet 79126, MedGen C5561926, MONDO:0800497, OMIM 178500, MONDO:0800029.

Submission:

GeneReviews
Classification: Pathogenic for Dyskeratosis Congenita. Last evaluated: 2012-05-10. Review status: no assertion criteria provided. Collection method: curation. Allele origin: unknown.
ClinVar note: Converted during submission from pathologic to Pathogenic.